The following is an entry in ClinVar:

ClinVar aggregate classification (germline): Uncertain significance (1 of 4 stars; one submission).

Conditions:
TNF receptor-associated periodic fever syndrome (TRAPS) (FPF). Also called: FAMILIAL HIBERNIAN FEVER; TNF RECEPTOR-ASSOCIATED PERIODIC SYNDROME; TUMOR NECROSIS FACTOR RECEPTOR-ASSOCIATED PERIODIC SYNDROME; Autosomal Dominant Familial Periodic Fever; TNF Receptor-Associated Periodic Fever Syndrome; TNF receptor 1-associated periodic fever syndrome. Identifiers: Orphanet 32960, MedGen C1275126, MONDO:0007727, OMIM 142680.

Submission:

Labcorp Genetics (formerly Invitae), Labcorp
Classification: Uncertain significance for TNF receptor-associated periodic fever syndrome (TRAPS). Last evaluated: 2023-02-23. Review status: criteria provided, single submitter. Criteria: Invitae Variant Classification Sherloc (09022015). Collection method: clinical testing. Allele origin: germline.
Comment: In summary, the available evidence is currently insufficient to determine the role of this variant in disease. Therefore, it has been classified as a Variant of Uncertain Significance. Advanced modeling of protein sequence and biophysical properties (such as structural, functional, and spatial information, amino acid conservation, physicochemical variation, residue mobility, and thermodynamic stability) has been performed at Invitae for this missense variant, however the output from this modeling did not meet the statistical confidence thresholds required to predict the impact of this variant on TNFRSF1A protein function. This variant has not been reported in the literature in individuals affected with TNFRSF1A-related conditions. This variant is not present in population databases (gnomAD no frequency). This sequence change replaces glutamic acid, which is acidic and polar, with lysine, which is basic and polar, at codon 389 of the TNFRSF1A protein (p.Glu389Lys).

NM_001065.4(TNFRSF1A):c.1165G>A (p.Glu389Lys)

Gene: TNFRSF1A (TNF receptor superfamily member 1A; minus strand). Cytogenetic location: 12p13.31.
Variant type: single nucleotide variant.
Coding change: c.1165G>A on transcript NM_001065.4 (MANE Select); coding-DNA position 1165, G replaced by A.
Protein change: p.Glu389Lys; replaces glutamic acid 389 with lysine.
Molecular consequence: missense variant. On other transcripts: non-coding transcript variant (1).
Genome position (GRCh38, 1-based): chr12:6,329,515, C>T on the plus strand (G>A on the coding strand, the complement: TNFRSF1A is on the minus strand). VCF-style: chr12-6329515-C-T. GRCh37 (hg19) VCF-style: chr12-6438681-C-T.
Other names: c.841G>A, p.Glu281Lys (NM_001346091.2); c.706G>A, p.Glu236Lys (NM_001346092.2); short protein forms E236K, E281K, E389K.
Identifiers: ClinVar variation 2803677 (VCV002803677.3), dbSNP rs2497785242, ClinGen allele CA383545073.